The following is an entry in ClinVar:

NM_001378778.1(MPDZ):c.1343T>G (p.Leu448Trp)

Gene: MPDZ (multiple PDZ domain crumbs cell polarity complex component; minus strand). Cytogenetic location: 9p23.
Variant type: single nucleotide variant.
Coding change: c.1343T>G on transcript NM_001378778.1 (MANE Select); coding-DNA position 1343, T replaced by G.
Protein change: p.Leu448Trp; replaces leucine 448 with tryptophan.
Molecular consequence: missense variant.
Genome position (GRCh38, 1-based): chr9:13,206,047, A>C on the plus strand (T>G on the coding strand, the complement: MPDZ is on the minus strand). VCF-style: chr9-13206047-A-C. GRCh37 (hg19) VCF-style: chr9-13206046-A-C.
Other names: c.1343T>G, p.Leu448Trp (NM_001261407.2, NM_001330637.2, NM_001375413.1 and 14 more transcripts); short protein forms L448W.
Identifiers: ClinVar variation 2101811 (VCV002101811.4), dbSNP rs2495878244, ClinGen allele CA372943328.
Genomic context (GRCh38, chr9:13,206,047, plus strand): 5'-GCTTCCTGCTTCATTCCTCTCCTCATTAGTGTCAGGAGCACAGTTTGTCCTGTATGTCGC[A>C]ATACCTCTACTGCTTGCTGATTAGTAAAACCCTGAAGGTTTGTGCCATCTACCTGTGATT-3'
Protein context (NP_001365707.1, residues 438-458): GFTNQQAVEV[Leu448Trp]RHTGQTVLLT

ClinVar aggregate classification (germline): Uncertain significance (1 of 4 stars; one submission).

Submission:

Labcorp Genetics (formerly Invitae), Labcorp
Classification: Uncertain significance. Last evaluated: 2022-02-22. Review status: criteria provided, single submitter. Criteria: Invitae Variant Classification Sherloc (09022015). Collection method: clinical testing. Allele origin: germline.
Comment: This variant has not been reported in the literature in individuals affected with MPDZ-related conditions. This variant is not present in population databases (gnomAD no frequency). This sequence change replaces leucine, which is neutral and non-polar, with tryptophan, which is neutral and slightly polar, at codon 448 of the MPDZ protein (p.Leu448Trp). In summary, the available evidence is currently insufficient to determine the role of this variant in disease. Therefore, it has been classified as a Variant of Uncertain Significance. Algorithms developed to predict the effect of missense changes on protein structure and function (SIFT, PolyPhen-2, Align-GVGD) all suggest that this variant is likely to be disruptive.